The following is an entry in ClinVar:

NM_000214.3(JAG1):c.989G>A (p.Gly330Glu)

Gene: JAG1 (jagged canonical Notch ligand 1; minus strand). Cytogenetic location: 20p12.2.
Variant type: single nucleotide variant.
Coding change: c.989G>A on transcript NM_000214.3 (MANE Select); coding-DNA position 989, G replaced by A.
Protein change: p.Gly330Glu; replaces glycine 330 with glutamic acid.
Molecular consequence: missense variant.
Genome position (GRCh38, 1-based): chr20:10,652,148, C>T on the plus strand (G>A on the coding strand, the complement: JAG1 is on the minus strand). VCF-style: chr20-10652148-C-T. GRCh37 (hg19) VCF-style: chr20-10632796-C-T.
Other names: short protein forms G330E.
Identifiers: ClinVar variation 4614283 (VCV004614283.1).
Genomic context (GRCh38, chr20:10,652,148, plus strand): 5'-GAAAAATTAGACAAAGGGCTCTCATTCATCTTGGACCACTTACCAATTTCACAGTTGGGT[C>T]CTGAATACCCCTCAGGGCAGGAACACTGATATTTGTCAGGGCCTGTGTTGCTACAAGTTC-3'
Protein context (NP_000205.1, residues 320-340): YQCSCPEGYS[Gly330Glu]PNCEIAEHAC

ClinVar aggregate classification (germline): Uncertain significance (1 of 4 stars; one submission).

Conditions:
Cardiovascular phenotype. Identifiers: MedGen CN230736.

Submission:

Ambry Genetics
Classification: Uncertain significance for Cardiovascular phenotype. Last evaluated: 2025-11-10. Review status: criteria provided, single submitter. Criteria: Ambry Variant Classification Scheme 2023. Collection method: clinical testing. Allele origin: germline.
Comment: The p.G330E variant (also known as c.989G>A), located in coding exon 7 of the JAG1 gene, results from a G to A substitution at nucleotide position 989. The glycine at codon 330 is replaced by glutamic acid, an amino acid with similar properties. This amino acid position is conserved. In addition, this alteration is predicted to be deleterious by in silico analysis. Based on the available evidence, the clinical significance of this variant remains unclear.